The following is an entry in ClinVar:

ClinVar aggregate classification (germline): Uncertain significance. Review status: criteria provided, multiple submitters, no conflicts (2 of 4 stars). 4 submissions from 4 submitters: Uncertain significance (4). Last evaluated 2025-12-29.

Conditions:
VPS33B-related disorder. Also called: VPS33B-related condition.

Allele frequency attached by ClinVar (database versions not stated): ESP Exome Variant Server 0.00046; gnomAD exomes 0.00008; ExAC 0.00010; gnomAD 0.00016; 1000 Genomes Project 0.00020; TOPMed 0.00021; 1000 Genomes Project 30x 0.00031.
gnomAD v4.1: 64 of 1,614,218 alleles (0.004%); highest among the groups gnomAD compares: African/African-American, 0.055%; no homozygotes.

Submissions (4):

PreventionGenetics, part of Exact Sciences
Classification: Uncertain significance for VPS33B-related condition. Last evaluated: 2025-12-29. Review status: criteria provided, single submitter. Criteria: ACMG Guidelines, 2015. Collection method: clinical testing. Allele origin: germline.
Comment: The VPS33B c.1198A>G variant is predicted to result in the amino acid substitution p.Met400Val. To our knowledge, this variant has not been reported in the literature. This variant is reported in 0.072% of alleles in individuals of African descent in gnomAD. Although we suspect that this variant may be benign, at this time, the clinical significance of this variant is uncertain due to the absence of conclusive functional and genetic evidence.

Women's Health and Genetics/Laboratory Corporation of America, LabCorp
Classification: Uncertain significance. Last evaluated: 2025-05-05. Review status: criteria provided, single submitter. Criteria: LabCorp Variant Classification Summary - May 2015. Collection method: clinical testing. Allele origin: germline.
Comment: Variant summary: VPS33B c.1198A>G (p.Met400Val) results in a conservative amino acid change in the encoded protein sequence. Algorithms developed to predict the effect of missense changes on protein structure and function are either unavailable or do not agree on the potential impact of this missense change. The variant allele was found at a frequency of 8e-05 in 251476 control chromosomes. This frequency is not significantly higher than estimated for a pathogenic variant in VPS33B causing VPS33B-Related Disorders, allowing no conclusion about variant significance. To our knowledge, no occurrence of c.1198A>G in individuals affected with VPS33B-Related Disorders and no experimental evidence demonstrating its impact on protein function have been reported. ClinVar contains an entry for this variant (Variation ID: 594777). Based on the evidence outlined above, the variant was classified as uncertain significance.

Labcorp Genetics (formerly Invitae), Labcorp
Classification: Uncertain significance. Last evaluated: 2024-11-30. Review status: criteria provided, single submitter. Criteria: Invitae Variant Classification Sherloc (09022015). Collection method: clinical testing. Allele origin: germline.
Comment: This sequence change replaces methionine, which is neutral and non-polar, with valine, which is neutral and non-polar, at codon 400 of the VPS33B protein (p.Met400Val). This variant is present in population databases (rs149943529, gnomAD 0.07%). This variant has not been reported in the literature in individuals affected with VPS33B-related conditions. ClinVar contains an entry for this variant (Variation ID: 594777). Invitae Evidence Modeling of protein sequence and biophysical properties (such as structural, functional, and spatial information, amino acid conservation, physicochemical variation, residue mobility, and thermodynamic stability) indicates that this missense variant is not expected to disrupt VPS33B protein function with a negative predictive value of 80%. In summary, the available evidence is currently insufficient to determine the role of this variant in disease. Therefore, it has been classified as a Variant of Uncertain Significance.

Eurofins Ntd Llc (ga)
Classification: Uncertain significance. Last evaluated: 2017-10-30. Review status: criteria provided, single submitter. Criteria: EGL Classification Definitions 2015. Collection method: clinical testing. Allele origin: germline. Observed: 1 variant allele, 1 heterozygote.

NM_018668.5(VPS33B):c.1198A>G (p.Met400Val)

Gene: VPS33B (VPS33B late endosome and lysosome associated; minus strand). Cytogenetic location: 15q26.1.
Variant type: single nucleotide variant.
Coding change: c.1198A>G on transcript NM_018668.5 (MANE Select); coding-DNA position 1198, A replaced by G.
Protein change: p.Met400Val; replaces methionine 400 with valine.
Molecular consequence: missense variant.
Genome position (GRCh38, 1-based): chr15:91,004,904, T>C on the plus strand (A>G on the coding strand, the complement: VPS33B is on the minus strand). VCF-style: chr15-91004904-T-C. GRCh37 (hg19) VCF-style: chr15-91548134-T-C.
Other names: c.1117A>G, p.Met373Val (NM_001289148.1); c.925A>G, p.Met309Val (NM_001289149.1); c.1198A>G (NM_018668.4); short protein forms M400V, M309V, M373V.
Identifiers: ClinVar variation 594777 (VCV000594777.9), dbSNP rs149943529, ClinGen allele CA7744742.